The following is an entry in ClinVar:

NM_014956.5(CEP164):c.4360A>G (p.Arg1454Gly)

Gene: CEP164 (centrosomal protein 164; plus strand). Cytogenetic location: 11q23.3.
Variant type: single nucleotide variant.
Coding change: c.4360A>G on transcript NM_014956.5 (MANE Select); coding-DNA position 4360, A replaced by G.
Protein change: p.Arg1454Gly; replaces arginine 1454 with glycine.
Molecular consequence: missense variant.
Genome position (GRCh38, 1-based): chr11:117,412,145, A>G. VCF-style: chr11-117412145-A-G. GRCh37 (hg19) VCF-style: chr11-117282861-A-G.
Other names: c.4345A>G, p.Arg1449Gly (NM_001271933.2); c.4366A>G, p.Arg1456Gly (NM_001440949.1); c.4360A>G, p.Arg1454Gly (NM_001440950.1, NM_001440951.1); c.4351A>G, p.Arg1451Gly (NM_001440952.1); c.4336A>G, p.Arg1446Gly (NM_001440953.1); c.4282A>G, p.Arg1428Gly (NM_001440954.1, NM_001440955.1); c.4273A>G, p.Arg1425Gly (NM_001440956.1); c.4270A>G, p.Arg1424Gly (NM_001440957.1); and 21 more; short protein forms R1400G, R1404G, R1428G, R1446G, R1456G, R1309G, R1371G, R1379G.
Identifiers: ClinVar variation 4978196 (VCV004978196.1).

ClinVar aggregate classification (germline): Uncertain significance (1 of 4 stars; one submission).

Conditions:
CEP164-related disorder. Also called: CEP164-related condition.

gnomAD v4.1: 1 of 1,614,130 alleles (0.000062%); highest among the groups gnomAD compares: Non-Finnish European, 0.000085%; no homozygotes.

Submission:

PreventionGenetics, part of Exact Sciences
Classification: Uncertain significance for CEP164-related condition. Last evaluated: 2024-10-11. Review status: criteria provided, single submitter. Criteria: ACMG Guidelines, 2015. Collection method: clinical testing. Allele origin: germline.
Comment: The CEP164 c.4360A>G variant is predicted to result in the amino acid substitution p.Arg1454Gly. To our knowledge, this variant has not been reported in the literature or in a large population database (gnomAD), indicating this variant is rare. At this time, the clinical significance of this variant is uncertain due to the absence of conclusive functional and genetic evidence.